The following is an entry in ClinVar:

ClinVar aggregate classification (germline): Uncertain significance (1 of 4 stars; one submission).

Conditions:
CHARGE syndrome (CHARGE). Also called: Hittner Hirsch Kreh syndrome; CHARGE ASSOCIATION--COLOBOMA, HEART ANOMALY, CHOANAL ATRESIA, RETARDATION, GENITAL AND EAR ANOMALIES; Coloboma, heart anomaly, choanal atresia, retardation, genital and ear anomalies; CHARGE association; Hall-Hittner syndrome. Identifiers: Orphanet 138, MedGen C0265354, MONDO:0008965.

Submission:

Labcorp Genetics (formerly Invitae), Labcorp
Classification: Uncertain significance for CHARGE syndrome. Last evaluated: 2024-06-11. Review status: criteria provided, single submitter. Criteria: Invitae Variant Classification Sherloc (09022015). Collection method: clinical testing. Allele origin: germline.
Comment: This sequence change replaces arginine, which is basic and polar, with serine, which is neutral and polar, at codon 2491 of the CHD7 protein (p.Arg2491Ser). This variant is not present in population databases (gnomAD no frequency). This variant has not been reported in the literature in individuals affected with CHD7-related conditions. Advanced modeling of protein sequence and biophysical properties (such as structural, functional, and spatial information, amino acid conservation, physicochemical variation, residue mobility, and thermodynamic stability) performed at Invitae indicates that this missense variant is not expected to disrupt CHD7 protein function with a negative predictive value of 80%. In summary, the available evidence is currently insufficient to determine the role of this variant in disease. Therefore, it has been classified as a Variant of Uncertain Significance.

NM_017780.4(CHD7):c.7471C>A (p.Arg2491Ser)

Gene: CHD7 (chromodomain helicase DNA binding protein 7; plus strand). Cytogenetic location: 8q12.2.
Variant type: single nucleotide variant.
Coding change: c.7471C>A on transcript NM_017780.4 (MANE Select); coding-DNA position 7471, C replaced by A.
Protein change: p.Arg2491Ser; replaces arginine 2491 with serine.
Molecular consequence: missense variant. On other transcripts: intron variant (1).
Genome position (GRCh38, 1-based): chr8:60,856,751, C>A. VCF-style: chr8-60856751-C-A. GRCh37 (hg19) VCF-style: chr8-61769310-C-A.
Other names: c.1717-5478C>A (NM_001316690.1); short protein forms R2491S.
Identifiers: ClinVar variation 3630472 (VCV003630472.2).
Genomic context (GRCh38, chr8:60,856,751, plus strand): 5'-TCAACACCAGTGTCTGATGCCTTTAAGACTCAAATGGAACTGCTCCAAGCAGGCCTTTCG[C>A]GCACACCCACAAGGCATCTCCTTAATGGCTCCCTAGTGGATGGAGAGCCTCCCATGAAGA-3'
Protein context (NP_060250.2, residues 2481-2501): QMELLQAGLS[Arg2491Ser]TPTRHLLNGS